The following is an entry in ClinVar:

ClinVar aggregate classification (germline): Likely benign. Review status: criteria provided, multiple submitters, no conflicts (2 of 4 stars). 6 submissions from 6 submitters: Likely benign (6). Last evaluated 2026-02-02.

Allele frequency attached by ClinVar (database versions not stated): ExAC 0.00029; gnomAD exomes 0.00030 and 0.00106; gnomAD 0.00052 and 0.00053; TOPMed 0.00055; ESP Exome Variant Server 0.00085.
gnomAD v4.1: 1,583 of 1,608,170 alleles (0.098%); highest among the groups gnomAD compares: Non-Finnish European, 0.13%; 2 homozygotes.

Submissions (6):

Labcorp Genetics (formerly Invitae), Labcorp
Classification: Likely benign. Last evaluated: 2026-02-02. Review status: criteria provided, single submitter. Criteria: Invitae Variant Classification Sherloc (09022015). Collection method: clinical testing. Allele origin: germline.

Women's Health and Genetics/Laboratory Corporation of America, LabCorp
Classification: Likely benign. Last evaluated: 2026-01-16. Review status: criteria provided, single submitter. Criteria: LabCorp Variant Classification Summary - May 2015. Collection method: clinical testing. Allele origin: germline.

CeGaT Center for Human Genetics Tuebingen
Classification: Likely benign. Last evaluated: 2025-02-01. Review status: criteria provided, single submitter. Criteria: CeGaT Center For Human Genetics Tuebingen Variant Classification Criteria Version 2. Collection method: clinical testing. Allele origin: germline. Affected: yes. Observed: 3 variant alleles.
Comment: COL9A1: BP4, BP7

Blueprint Genetics
Classification: Likely benign. Last evaluated: 2024-08-07. Review status: criteria provided, single submitter. Criteria: ACMG Guidelines, 2015. Collection method: clinical testing. Allele origin: germline.

GeneDx
Classification: Likely benign. Last evaluated: 2021-10-23. Review status: criteria provided, single submitter. Criteria: GeneDx Variant Classification Process June 2021. Collection method: clinical testing. Allele origin: germline. Affected: yes.

Athena Diagnostics
Classification: Likely benign. Last evaluated: 2018-08-31. Review status: criteria provided, single submitter. Criteria: Athena Diagnostics Criteria. Collection method: clinical testing. Allele origin: germline.

NM_001851.6(COL9A1):c.1368C>T (p.Leu456=)

Gene: COL9A1 (collagen type IX alpha 1 chain; minus strand). Cytogenetic location: 6q13.
Variant type: single nucleotide variant.
Coding change: c.1368C>T on transcript NM_001851.6 (MANE Select); coding-DNA position 1368, C replaced by T.
Protein change: p.Leu456=; no amino-acid change (leucine 456 retained).
Molecular consequence: synonymous variant. On other transcripts: non-coding transcript variant (1).
Genome position (GRCh38, 1-based): chr6:70,263,271, G>A on the plus strand (C>T on the coding strand, the complement: COL9A1 is on the minus strand). VCF-style: chr6-70263271-G-A. GRCh37 (hg19) VCF-style: chr6-70972974-G-A.
Other names: c.639C>T, p.Leu213= (NM_001377289.1, NM_001377290.1, NM_078485.4).
Identifiers: ClinVar variation 507610 (VCV000507610.42), dbSNP rs140761349, ClinGen allele CA3882256.